The following is an entry in ClinVar:

NM_000264.5(PTCH1):c.667C>T (p.Leu223Phe)

Gene: PTCH1 (patched 1; minus strand). Cytogenetic location: 9q22.32.
Variant type: single nucleotide variant.
Coding change: c.667C>T on transcript NM_000264.5 (MANE Select); coding-DNA position 667, C replaced by T.
Protein change: p.Leu223Phe; replaces leucine 223 with phenylalanine.
Molecular consequence: missense variant. On other transcripts: non-coding transcript variant (1).
Genome position (GRCh38, 1-based): chr9:95,482,028, G>A on the plus strand (C>T on the coding strand, the complement: PTCH1 is on the minus strand). VCF-style: chr9-95482028-G-A. GRCh37 (hg19) VCF-style: chr9-98244310-G-A.
Other names: c.469C>T, p.Leu157Phe (NM_001083602.3, NM_001354919.2); c.664C>T, p.Leu222Phe (NM_001083603.3); c.214C>T, p.Leu72Phe (NM_001083604.3, NM_001083605.3, NM_001083606.3 and 1 more transcripts); c.667C>T, p.Leu223Phe (NM_001354918.2); short protein forms L222F, L223F, L72F, L157F.
Identifiers: ClinVar variation 1754842 (VCV001754842.2), dbSNP rs1266754583, ClinGen allele CA374114964.

ClinVar aggregate classification (germline): Uncertain significance (1 of 4 stars; one submission).

Conditions:
Hereditary cancer-predisposing syndrome. Also called: Neoplastic Syndromes, Hereditary; Tumor predisposition; Hereditary Cancer Syndrome; Hereditary neoplastic syndrome. Identifiers: Orphanet 140162, MedGen C0027672, MeSH D009386, MONDO:0015356.

Submission:

Ambry Genetics
Classification: Uncertain significance for Hereditary cancer-predisposing syndrome. Last evaluated: 2020-08-12. Review status: criteria provided, single submitter. Criteria: Ambry Variant Classification Scheme 2023. Collection method: clinical testing. Allele origin: germline.
Comment: The p.L223F variant (also known as c.667C>T), located in coding exon 5 of the PTCH1 gene, results from a C to T substitution at nucleotide position 667. The leucine at codon 223 is replaced by phenylalanine, an amino acid with highly similar properties. This amino acid position is highly conserved in available vertebrate species. In addition, this alteration is predicted to be deleterious by in silico analysis. Since supporting evidence is limited at this time, the clinical significance of this alteration remains unclear.